The following is an entry in ClinVar:

ClinVar aggregate classification (germline): Uncertain significance. Review status: criteria provided, multiple submitters, no conflicts (2 of 4 stars). 2 submissions from 2 submitters: Uncertain significance (2). Last evaluated 2024-02-24.

Conditions:
Inborn genetic diseases. Identifiers: MedGen C0950123, MeSH D030342.

Allele frequency attached by ClinVar (database versions not stated): ExAC 0.00004; gnomAD 0.00005 and 0.00006; gnomAD exomes 0.00002 and 0.00003; TOPMed 0.00003.
gnomAD v4.1: 32 of 1,613,562 alleles (0.002%); highest among the groups gnomAD compares: South Asian, 0.011%; no homozygotes.

Submissions (2):

Labcorp Genetics (formerly Invitae), Labcorp
Classification: Uncertain significance. Last evaluated: 2024-02-24. Review status: criteria provided, single submitter. Criteria: Invitae Variant Classification Sherloc (09022015). Collection method: clinical testing. Allele origin: germline.
Comment: This sequence change replaces glutamic acid, which is acidic and polar, with lysine, which is basic and polar, at codon 85 of the SLC24A1 protein (p.Glu85Lys). This variant is present in population databases (rs746325831, gnomAD 0.02%). This variant has not been reported in the literature in individuals affected with SLC24A1-related conditions. ClinVar contains an entry for this variant (Variation ID: 851099). Algorithms developed to predict the effect of missense changes on protein structure and function output the following: SIFT: "Not Available"; PolyPhen-2: "Benign"; Align-GVGD: "Not Available". The lysine amino acid residue is found in multiple mammalian species, which suggests that this missense change does not adversely affect protein function. In summary, the available evidence is currently insufficient to determine the role of this variant in disease. Therefore, it has been classified as a Variant of Uncertain Significance.

Ambry Genetics
Classification: Uncertain significance for Inborn genetic diseases. Last evaluated: 2022-10-04. Review status: criteria provided, single submitter. Criteria: Ambry Variant Classification Scheme 2023. Collection method: clinical testing. Allele origin: germline.

NM_004727.3(SLC24A1):c.253G>A (p.Glu85Lys)

Gene: SLC24A1 (solute carrier family 24 member 1; plus strand). Cytogenetic location: 15q22.31.
Variant type: single nucleotide variant.
Coding change: c.253G>A on transcript NM_004727.3 (MANE Select); coding-DNA position 253, G replaced by A.
Protein change: p.Glu85Lys; replaces glutamic acid 85 with lysine.
Molecular consequence: missense variant.
Genome position (GRCh38, 1-based): chr15:65,624,333, G>A. VCF-style: chr15-65624333-G-A. GRCh37 (hg19) VCF-style: chr15-65916671-G-A.
Other names: c.253G>A, p.Glu85Lys (NM_001301031.1, NM_001301032.1, NM_001301033.2); short protein forms E85K.
Identifiers: ClinVar variation 851099 (VCV000851099.6), dbSNP rs746325831, ClinGen allele CA7619720.
Genomic context (GRCh38, chr15:65,624,333, plus strand): 5'-CGGGACCTCTCCAGTGAAGAGATGATGATGATGAGCAGCAGCCCTTCAAAACCTAGCTCC[G>A]AAATGGGGGGTAAGATGCTGGTACCCCAAGCCTCAGTGGGCAGTGATGAAGCAACACTGA-3'
Protein context (NP_004718.1, residues 75-95): MSSSPSKPSS[Glu85Lys]MGGKMLVPQA